The following continues an entry in ClinVar:

NM_002834.5(PTPN11):c.1381G>A (p.Ala461Thr)

Gene: PTPN11. ClinVar aggregate classification (germline): Pathogenic. Pathogenic (1). ClinVar aggregate classification (somatic clinical impact): Tier I - Strong.

Literature cited by the submitters, continued: PubMed 24436047 (cited by Institute for Genomic Medicine (IGM) Clinical Laboratory, Nationwide Children's Hospital); PubMed 34166060 (cited by Institute for Genomic Medicine (IGM) Clinical Laboratory, Nationwide Children's Hospital); PubMed 26138366 (cited by Institute for Genomic Medicine (IGM) Clinical Laboratory, Nationwide Children's Hospital); PubMed 16518851 (cited by Institute for Genomic Medicine (IGM) Clinical Laboratory, Nationwide Children's Hospital); PubMed 19681119 (cited by Institute for Genomic Medicine (IGM) Clinical Laboratory, Nationwide Children's Hospital); PubMed 22142829 (cited by Institute for Genomic Medicine (IGM) Clinical Laboratory, Nationwide Children's Hospital); PubMed 28966033 (cited by Institute for Genomic Medicine (IGM) Clinical Laboratory, Nationwide Children's Hospital); PubMed 29763623 (cited by Institute for Genomic Medicine (IGM) Clinical Laboratory, Nationwide Children's Hospital); PubMed 28912153 (cited by Institute for Genomic Medicine (IGM) Clinical Laboratory, Nationwide Children's Hospital); PubMed 35697228 (cited by Institute for Genomic Medicine (IGM) Clinical Laboratory, Nationwide Children's Hospital); PubMed 11992261 (cited by Victorian Clinical Genetics Services, Murdoch Childrens Research Institute); PubMed 21533187 (cited by Victorian Clinical Genetics Services, Murdoch Childrens Research Institute); PubMed 21784453 (cited by Victorian Clinical Genetics Services, Murdoch Childrens Research Institute and Women's Health and Genetics/Laboratory Corporation of America, LabCorp); PubMed 22190897 (cited by Victorian Clinical Genetics Services, Murdoch Childrens Research Institute and Laboratory for Molecular Medicine, Mass General Brigham Personalized Medicine); PubMed 15385933 (cited by Women's Health and Genetics/Laboratory Corporation of America, LabCorp); PubMed 14644997 (cited by Women's Health and Genetics/Laboratory Corporation of America, LabCorp); PubMed 22465605 (cited by Women's Health and Genetics/Laboratory Corporation of America, LabCorp); PubMed 23321623 (cited by Women's Health and Genetics/Laboratory Corporation of America, LabCorp); PubMed 25097206 (cited by Women's Health and Genetics/Laboratory Corporation of America, LabCorp); PubMed 19047918 (cited by Women's Health and Genetics/Laboratory Corporation of America, LabCorp); PubMed 22781091 (cited by Women's Health and Genetics/Laboratory Corporation of America, LabCorp); PubMed 17972951 (cited by Women's Health and Genetics/Laboratory Corporation of America, LabCorp); PubMed 15710330 (cited by Women's Health and Genetics/Laboratory Corporation of America, LabCorp); PubMed 25395418 (cited by Women's Health and Genetics/Laboratory Corporation of America, LabCorp); PubMed 27276561 (cited by Women's Health and Genetics/Laboratory Corporation of America, LabCorp); PubMed 29907801 (cited by Women's Health and Genetics/Laboratory Corporation of America, LabCorp); PubMed 27069254 (cited by Women's Health and Genetics/Laboratory Corporation of America, LabCorp); PubMed 28483241 (cited by Women's Health and Genetics/Laboratory Corporation of America, LabCorp); PubMed 20301557 (cited by GeneReviews); NCBI Bookshelf NBK1383 (cited by GeneReviews).